The following is an entry in ClinVar:

NM_005560.6(LAMA5):c.9935C>T (p.Ala3312Val)

Gene: LAMA5 (laminin subunit alpha 5; minus strand). Cytogenetic location: 20q13.33.
Variant type: single nucleotide variant.
Coding change: c.9935C>T on transcript NM_005560.6 (MANE Select); coding-DNA position 9935, C replaced by T.
Protein change: p.Ala3312Val; replaces alanine 3312 with valine.
Molecular consequence: missense variant.
Genome position (GRCh38, 1-based): chr20:62,311,408, G>A on the plus strand (C>T on the coding strand, the complement: LAMA5 is on the minus strand). VCF-style: chr20-62311408-G-A. GRCh37 (hg19) VCF-style: chr20-60886464-G-A.
Other names: short protein forms A3312V.
Identifiers: ClinVar variation 2063883 (VCV002063883.4), dbSNP rs1174768258, ClinGen allele CA409538698.

ClinVar aggregate classification (germline): Uncertain significance (1 of 4 stars; one submission).

gnomAD v4.1: 2 of 1,564,970 alleles (0.00013%); highest among the groups gnomAD compares: Middle Eastern, 0.034%; no homozygotes.

Submission:

Labcorp Genetics (formerly Invitae), Labcorp
Classification: Uncertain significance. Last evaluated: 2024-01-02. Review status: criteria provided, single submitter. Criteria: Invitae Variant Classification Sherloc (09022015). Collection method: clinical testing. Allele origin: germline.
Comment: This sequence change replaces alanine, which is neutral and non-polar, with valine, which is neutral and non-polar, at codon 3312 of the LAMA5 protein (p.Ala3312Val). This variant is not present in population databases (gnomAD no frequency). This variant has not been reported in the literature in individuals affected with LAMA5-related conditions. ClinVar contains an entry for this variant (Variation ID: 2063883). Algorithms developed to predict the effect of missense changes on protein structure and function output the following: SIFT: "Not Available"; PolyPhen-2: "Benign"; Align-GVGD: "Not Available". The valine amino acid residue is found in multiple mammalian species, which suggests that this missense change does not adversely affect protein function. In summary, the available evidence is currently insufficient to determine the role of this variant in disease. Therefore, it has been classified as a Variant of Uncertain Significance.